The following is an entry in ClinVar:

ClinVar aggregate classification (germline): Uncertain significance (1 of 4 stars; one submission).

Conditions:
Imerslund-Grasbeck syndrome. Also called: Megaloblastic anemia due to inborn errors of metabolism; Imerslund-Gräsbeck syndrome; ENTEROCYTE COBALAMIN MALABSORPTION; ENTEROCYTE INTRINSIC FACTOR RECEPTOR, DEFECT OF; PERNICIOUS ANEMIA, JUVENILE, DUE TO SELECTIVE INTESTINAL MALABSORPTION OF VITAMIN B12, WITH PROTEINURIA. Identifiers: Orphanet 35858, MedGen C4551825, MONDO:0009853.

Allele frequency attached by ClinVar (database versions not stated): ExAC 0.00001; gnomAD exomes 0.00002; TOPMed 0.00002; gnomAD 0.00003.
gnomAD v4.1: 27 of 1,613,776 alleles (0.0017%); highest among the groups gnomAD compares: African/African-American, 0.004%; no homozygotes.

Submission:

Labcorp Genetics (formerly Invitae), Labcorp
Classification: Uncertain significance for Imerslund-Grasbeck syndrome. Last evaluated: 2023-01-31. Review status: criteria provided, single submitter. Criteria: Invitae Variant Classification Sherloc (09022015). Collection method: clinical testing. Allele origin: germline.
Comment: This sequence change replaces alanine, which is neutral and non-polar, with threonine, which is neutral and polar, at codon 1733 of the CUBN protein (p.Ala1733Thr). In summary, the available evidence is currently insufficient to determine the role of this variant in disease. Therefore, it has been classified as a Variant of Uncertain Significance. Advanced modeling of protein sequence and biophysical properties (such as structural, functional, and spatial information, amino acid conservation, physicochemical variation, residue mobility, and thermodynamic stability) performed at Invitae indicates that this missense variant is not expected to disrupt CUBN protein function. This variant has not been reported in the literature in individuals affected with CUBN-related conditions. This variant is present in population databases (rs780475475, gnomAD 0.004%).

NM_001081.4(CUBN):c.5197G>A (p.Ala1733Thr)

Gene: CUBN (cubilin; minus strand). Cytogenetic location: 10p13.
Variant type: single nucleotide variant.
Coding change: c.5197G>A on transcript NM_001081.4 (MANE Select); coding-DNA position 5197, G replaced by A.
Protein change: p.Ala1733Thr; replaces alanine 1733 with threonine.
Molecular consequence: missense variant.
Genome position (GRCh38, 1-based): chr10:16,948,490, C>T on the plus strand (G>A on the coding strand, the complement: CUBN is on the minus strand). VCF-style: chr10-16948490-C-T. GRCh37 (hg19) VCF-style: chr10-16990489-C-T.
Other names: short protein forms A1733T.
Identifiers: ClinVar variation 2876366 (VCV002876366.3), dbSNP rs780475475, ClinGen allele CA5424106.
Genomic context (GRCh38, chr10:16,948,490, plus strand): 5'-CTACCACATCCCTTTTAACCGCTAGAGTCAGGTGCTAGGGTTTCTTACCCGACACTGATG[C>T]GGTGACCGTGGTGTGGAAACCCCCAGCACTGATGCTAGAATCAGAGACGAATCTCAGCGT-3'
Protein context (NP_001072.2, residues 1723-1743): SAGGFHTTVT[Ala1733Thr]SVSACGGTFY